The following is an entry in ClinVar:

ClinVar aggregate classification (germline): Benign. Review status: criteria provided, single submitter (1 of 4 stars). 2 submissions from 2 submitters: Benign (1). 1 of the submissions does not count toward it. Last evaluated 2022-03-01.

Conditions:
PPIP5K2-related disorder. Also called: PPIP5K2-related condition.

Allele frequency attached by ClinVar (database versions not stated): 1000 Genomes Project 0.00200; 1000 Genomes Project 30x 0.00250; TOPMed 0.00614; gnomAD 0.00635; ExAC 0.00780; ESP Exome Variant Server 0.00819; gnomAD exomes 0.01025.
gnomAD v4.1: 15,441 of 1,579,160 alleles (0.98%); highest among the groups gnomAD compares: Non-Finnish European, 1.2%; 106 homozygotes.

Submissions (2):

CeGaT Center for Human Genetics Tuebingen
Classification: Benign. Last evaluated: 2022-03-01. Review status: criteria provided, single submitter. Criteria: CeGaT Center For Human Genetics Tuebingen Variant Classification Criteria Version 2. Collection method: clinical testing. Allele origin: germline. Affected: yes. Observed: 1 variant allele.
Comment: PPIP5K2: BS1, BS2

PreventionGenetics, part of Exact Sciences
Classification: Benign for PPIP5K2-related condition. Last evaluated: 2019-11-18. Review status: no assertion criteria provided. Collection method: clinical testing. Allele origin: germline. Not counted in ClinVar's aggregate classification.
Comment: This variant is classified as benign based on ACMG/AMP sequence variant interpretation guidelines (Richards et al. 2015 PMID: 25741868, with internal and published modifications).

NM_001276277.3(PPIP5K2):c.1255T>G (p.Ser419Ala)

Gene: PPIP5K2 (diphosphoinositol pentakisphosphate kinase 2; plus strand). Cytogenetic location: 5q21.1.
Variant type: single nucleotide variant.
Coding change: c.1255T>G on transcript NM_001276277.3 (MANE Select); coding-DNA position 1255, T replaced by G.
Protein change: p.Ser419Ala; replaces serine 419 with alanine.
Molecular consequence: missense variant.
Genome position (GRCh38, 1-based): chr5:103,154,707, T>G. VCF-style: chr5-103154707-T-G. GRCh37 (hg19) VCF-style: chr5-102490411-T-G.
Other names: c.1255T>G, p.Ser419Ala (NM_001281471.3, NM_001345871.2, NM_001345872.2 and 7 more transcripts); c.1255T>G (NM_001281471.2); short protein forms S419A.
Identifiers: ClinVar variation 2655626 (VCV002655626.25), dbSNP rs35671301, ClinGen allele CA3360110.